The following is an entry in ClinVar:

ClinVar aggregate classification (germline): Uncertain significance (1 of 4 stars; one submission).

Submission:

Labcorp Genetics (formerly Invitae), Labcorp
Classification: Uncertain significance. Last evaluated: 2025-08-10. Review status: criteria provided, single submitter. Criteria: Invitae Variant Classification Sherloc (09022015). Collection method: clinical testing. Allele origin: germline.
Comment: This sequence change replaces alanine, which is neutral and non-polar, with threonine, which is neutral and polar, at codon 155 of the KCNK4 protein (p.Ala155Thr). This variant is not present in population databases (gnomAD no frequency). This variant has not been reported in the literature in individuals affected with KCNK4-related conditions. An algorithm developed to predict the effect of missense changes on protein structure and function (PolyPhen-2) suggests that this variant is likely to be disruptive. In summary, the available evidence is currently insufficient to determine the role of this variant in disease. Therefore, it has been classified as a Variant of Uncertain Significance.

NM_033310.3(KCNK4):c.463G>A (p.Ala155Thr)

Genes: KCNK4 (potassium two pore domain channel subfamily K member 4; plus strand), KCNK4-CATSPERZ (KCNK4-CATSPERZ readthrough (NMD candidate); plus strand). Cytogenetic location: 11q13.1.
Variant type: single nucleotide variant.
Coding change: c.463G>A on transcript NM_033310.3 (MANE Select); coding-DNA position 463, G replaced by A.
Protein change: p.Ala155Thr; replaces alanine 155 with threonine.
Molecular consequence: missense variant. On other transcripts: non-coding transcript variant (3).
Genome position (GRCh38, 1-based): chr11:64,297,268, G>A. VCF-style: chr11-64297268-G-A. GRCh37 (hg19) VCF-style: chr11-64064740-G-A.
Other names: c.463G>A, p.Ala155Thr (NM_001317090.2); short protein forms A155T.
Identifiers: ClinVar variation 4763578 (VCV004763578.1).